The following continues an entry in ClinVar:

NM_001042492.3(NF1):c.1756_1759del (p.Thr586fs)

Gene: NF1. ClinVar aggregate classification (germline): Pathogenic. Pathogenic (30). ClinVar aggregate classification (oncogenicity): Likely oncogenic.

Submissions 13 to 34 of 34:

Hema, HEMA – Genetic and Molecular Diagnostic Laboratory
Classification: Pathogenic for Neurofibromatosis, type 1. Last evaluated: 2024-11-25. Review status: criteria provided, single submitter. Criteria: HEMA Variant Classification Assertion Criteria. Collection method: clinical testing. Allele origin: germline.
Comment: The variant c.1756_1759del p.(Thr586ValfsTer18) is a nucleotide deletion that results in a frameshift in NF1. PVS1: Null variant (frameshift) in a gene for which loss of function is a known disease mechanism. It is a frameshift variant that introduces a premature stop codon in exon 16/58, which is predicted to lead to nonsense-mediated decay (NMD) of the transcript. PS4: The variant has been reported in more than 24 individuals with neurofibromatosis type 1 (PMID: 9783703, 18546366, 23758643, 31776437, 34080803, 34427956). PM2_Supporting: Absent in the gnomAD database.

Dubai Health Genomic Medicine Center, Dubai Health
Classification: Pathogenic for Watson syndrome. Last evaluated: 2024-10-04. Review status: criteria provided, single submitter. Criteria: ACMG Guidelines, 2015. Collection method: research. Allele origin: germline. Affected: yes.
Comment: PVS1,PS2,PS4

Genomic Medicine Center of Excellence, King Faisal Specialist Hospital and Research Centre
Classification: Pathogenic for Neurofibromatosis, type 1. Last evaluated: 2024-09-02. Review status: criteria provided, single submitter. Criteria: ACMG Guidelines, 2015. Collection method: clinical testing. Allele origin: germline.

Institute of Medical Genetics and Applied Genomics, University Hospital Tübingen
Classification: Pathogenic for Neurofibromatosis, type 1. Last evaluated: 2024-05-28. Review status: criteria provided, single submitter. Criteria: ACMG Guidelines, 2015. Collection method: clinical testing. Allele origin: germline. Inheritance: Autosomal dominant inheritance. Affected: yes.

Blueprint Genetics
Classification: Pathogenic for NF1-related disorders. Last evaluated: 2024-04-09. Review status: criteria provided, single submitter. Criteria: ACMG Guidelines, 2015. Collection method: clinical testing. Allele origin: germline. Affected: yes. Observed: 5 variant alleles.

Baylor Genetics
Classification: Pathogenic for Neurofibromatosis, type 1. Last evaluated: 2024-01-01. Review status: criteria provided, single submitter. Criteria: ACMG Guidelines, 2015. Collection method: clinical testing. Allele origin: unknown.

Baylor Genetics
Classification: Pathogenic for Juvenile myelomonocytic leukemia. Last evaluated: 2023-05-25. Review status: criteria provided, single submitter. Criteria: ACMG Guidelines, 2015. Collection method: clinical testing. Allele origin: unknown.

Ambry Genetics
Classification: Pathogenic for Cardiovascular phenotype; Hereditary cancer-predisposing syndrome. Last evaluated: 2023-02-10. Review status: criteria provided, single submitter. Criteria: Ambry Variant Classification Scheme 2023. Collection method: clinical testing. Allele origin: germline.
Comment: The c.1756_1759delACTA (p.T586Vfs*18) alteration, located in exon 16 (coding exon 16) of the NF1 gene, consists of a deletion of 4 nucleotides from position 1756 to 1759, causing a translational frameshift with a predicted alternate stop codon after 18 amino acids. This alteration is expected to result in loss of function by premature protein truncation or nonsense-mediated mRNA decay. This allele was reported in one heterozygous individual in population-based cohorts in the Genome Aggregation Database (gnomAD). This alteration has been reported in multiple individuals diagnosed with NF1, both sporadic and familial (Park, 1998; Fahsold, 2000; Ars, 2003; H&uuml;ffmeier, 2006; Wimmer, 2007; Yap, 2016; Anastasaki, 2017; Melloni, 2019; Yao, 2019; Kang, 2020; Peces, 2020; N Abdel-Aziz, 2021; Riva, 2022). Based on the available evidence, this alteration is classified as pathogenic.

Genome-Nilou Lab
Classification: Pathogenic for Neurofibromatosis, type 1. Last evaluated: 2022-03-15. Review status: criteria provided, single submitter. Criteria: ACMG Guidelines, 2015. Collection method: clinical testing. Allele origin: germline. Affected: no.

GeneDx
Classification: Pathogenic. Last evaluated: 2021-11-22. Review status: criteria provided, single submitter. Criteria: GeneDx Variant Classification Process June 2021. Collection method: clinical testing. Allele origin: germline. Affected: yes.
Comment: Frameshift variant predicted to result in protein truncation or nonsense mediated decay in a gene for which loss-of-function is a known mechanism of disease; Published functional studies demonstrate a damaging effect: variant results in reduced neurofibromin expression and increased RAS activity compared to wild type (Park 1998, Anatasaki 2015); This variant is associated with the following publications: (PMID: 17311297, 9783703, 26514327, 29618358, 28955729, 12807981, 16835897, 18546366, 23906300, 25788518, 28068329, 23758643, 31766501, 31533651, 31476437, 31717729, 32056211, 29625052, 32533764, 31776437)

Greenwood Genetic Center Diagnostic Laboratories, Greenwood Genetic Center
Classification: Pathogenic. Last evaluated: 2021-03-08. Review status: criteria provided, single submitter. Criteria: ACMG Guidelines, 2015. Collection method: clinical testing. Allele origin: germline. Affected: yes.
Comment: PVS1, PS4, PM2_Supporting, PM6

Genome Diagnostics Laboratory, The Hospital for Sick Children
Classification: Pathogenic for Neurofibromatosis, type 1. Last evaluated: 2020-10-26. Review status: criteria provided, single submitter. Criteria: ACMG Guidelines, 2015. Collection method: clinical testing. Allele origin: germline. Affected: yes.

Medical Genetics, University of Parma
Classification: Pathogenic for Neurofibromatosis, type 1. Last evaluated: 2019-12-20. Review status: criteria provided, single submitter. Criteria: ACMG Guidelines, 2015. Collection method: clinical testing. Allele origin: germline. Affected: yes.

Centre for Mendelian Genomics, University Medical Centre Ljubljana
Classification: Pathogenic for Neurofibromatosis, type 1. Last evaluated: 2019-05-31. Review status: criteria provided, single submitter. Criteria: ACMG Guidelines, 2015. Collection method: clinical testing. Allele origin: unknown. Affected: yes.
Comment: This variant was classified as: Pathogenic. The following ACMG criteria were applied in classifying this variant: PVS1,PS1,PS3,PP4.

Athena Diagnostics
Classification: Pathogenic. Last evaluated: 2017-12-29. Review status: criteria provided, single submitter. Criteria: Athena Diagnostics Criteria. Collection method: clinical testing. Allele origin: germline.

Quest Diagnostics Nichols Institute San Juan Capistrano
Classification: Pathogenic. Last evaluated: 2017-12-29. Review status: criteria provided, single submitter. Criteria: Quest Diagnostics criteria. Collection method: clinical testing. Allele origin: unknown.
Comment: This frameshift variant alters the translational reading frame of the NF1 mRNA and causes the premature termination of NF1 protein synthesis. The frequency of this variant in the general population, 0.000004 (1/251120 chromosomes), is consistent with pathogenicity. In the published literature, the variant has been reported in individuals with neurofibromatosis 1 (PMID: 31776437 (2020), 32533764 (2020), 34080803 (2021), 34080803 (2022)). A functional study found this variant results in reduced neurofibromin expression compared to wild type (PMID: 25788518 (2015)). Based on the available information, this variant is classified as pathogenic.

Genomic Research Center, Shahid Beheshti University of Medical Sciences
Classification: Pathogenic for Neurofibromatosis, type 1. Last evaluated: 2017-06-18. Review status: criteria provided, single submitter. Criteria: ACMG Guidelines, 2015. Collection method: clinical testing. Allele origin: inherited. Affected: yes. Observed: 1 variant allele.

Center for Human Genetics, Inc
Classification: Pathogenic for Neurofibromatosis, type 1. Last evaluated: 2016-11-01. Review status: criteria provided, single submitter. Criteria: ACMG Guidelines, 2015. Collection method: clinical testing. Allele origin: germline. Affected: yes.

Ambry Genetics
Classification: Pathogenic for Hereditary cancer-predisposing syndrome. Last evaluated: 2015-11-12. Review status: criteria provided, single submitter. Criteria: Ambry Autosomal Dominant and X-Linked criteria (10/2015). Collection method: clinical testing. Allele origin: germline. Observed: 1 variant allele.
Comment: Thec.1756_1759delACTApathogenic mutation, located in codingexon16 of theNF1gene, results from a deletion of 4 nucleotides between nucleotide positions 1756 and 1759, causing a translational frameshift with a predicted alternate stop codon. This mutation has been reported in multiple individuals diagnosed with NF1, both sporadic and familial (Yap P et al. PediatrBlood Cancer. 2015 Oct; [epub ahead of print]; Wimmer K et al. HumMutat. 2007 Jun;28(6):599-612; Ars E et al. J Med Genet. 2003 Jun;40(6):e82; Park VM et al. J Med Genet. 1998 Oct;35(10):813-20). In addition to the clinical data presented in the literature, sinceframeshiftsare typically deleterious in nature, this alteration is interpreted as a disease-causing mutation (ACMG Recommendations for Standards for Interpretation and Reporting of Sequence Variations. Revision 2007. Genet Med. 2008;10:294).

Department of Ophthalmology, Shanghai Ninth people hospital, Shanghai Ninth People's Hospital, Shanghai Jiao Tong University
Classification: Pathogenic for Neurofibroma. Last evaluated: 2019-06-29. Review status: no assertion criteria provided. Collection method: clinical testing. Allele origin: germline. Affected: yes. Not counted in ClinVar's aggregate classification.

Clinical Genetics DNA and cytogenetics Diagnostics Lab, Erasmus MC, Erasmus Medical Center
Classification: Pathogenic. Review status: no assertion criteria provided. Collection method: clinical testing. Allele origin: germline. Affected: yes. Study: VKGL Data-share Consensus. Not counted in ClinVar's aggregate classification.

Joint Genome Diagnostic Labs from Nijmegen and Maastricht, Radboudumc and MUMC+
Classification: Pathogenic. Review status: no assertion criteria provided. Collection method: clinical testing. Allele origin: germline. Affected: yes. Study: VKGL Data-share Consensus. Not counted in ClinVar's aggregate classification.

Literature cited by the submitters: PubMed 34080803 (cited by 4 submitters); PubMed 18546366 (cited by 4 submitters); PubMed 22155606 (cited by Dasa); PubMed 23758643 (cited by 4 submitters); PubMed 29618358 (cited by 3 submitters); PubMed 30290804 (cited by Dasa); PubMed 1757093 (cited by Dasa); PubMed 1302608 (cited by Dasa); PubMed 34427956 (cited by 4 submitters); PubMed 10712197 (cited by Labcorp Genetics (formerly Invitae), Labcorp); PubMed 23913538 (cited by Labcorp Genetics (formerly Invitae), Labcorp and Mayo Clinic Laboratories, Mayo Clinic); PubMed 9783703 (cited by 7 submitters); PubMed 16835897 (cited by Labcorp Genetics (formerly Invitae), Labcorp and Institute for Genomic Medicine (IGM) Clinical Laboratory, Nationwide Children's Hospital); PubMed 17311297 (cited by Labcorp Genetics (formerly Invitae), Labcorp and Institute for Genomic Medicine (IGM) Clinical Laboratory, Nationwide Children's Hospital); PubMed 25788518 (cited by 6 submitters); PubMed 34046057 (cited by Center for Genomic Medicine, Rigshospitalet, Copenhagen University Hospital); PubMed 28068329 (cited by 3 submitters); PubMed 28955729 (cited by Mayo Clinic Laboratories, Mayo Clinic); PubMed 31717729 (cited by Mayo Clinic Laboratories, Mayo Clinic and Quest Diagnostics Nichols Institute San Juan Capistrano); PubMed 32533764 (cited by Mayo Clinic Laboratories, Mayo Clinic and Quest Diagnostics Nichols Institute San Juan Capistrano); PubMed 31776437 (cited by Hema, HEMA – Genetic and Molecular Diagnostic Laboratory and Quest Diagnostics Nichols Institute San Juan Capistrano); PubMed 26514327 (cited by 3 submitters); PubMed 31476437 (cited by Quest Diagnostics Nichols Institute San Juan Capistrano); PubMed 31766501 (cited by Quest Diagnostics Nichols Institute San Juan Capistrano); PubMed 32005694 (cited by Quest Diagnostics Nichols Institute San Juan Capistrano); PubMed 32056211 (cited by Quest Diagnostics Nichols Institute San Juan Capistrano).